The following is an entry in ClinVar:

NM_015346.4(ZFYVE26):c.1488_1491del (p.Leu497fs)

Gene: ZFYVE26 (zinc finger FYVE-type containing 26; minus strand). Cytogenetic location: 14q24.1.
Variant type: Deletion.
Coding change: c.1488_1491del on transcript NM_015346.4 (MANE Select); coding-DNA positions 1488 to 1491, 4 bases deleted (ACTC; older notation c.1488_1491delACTC).
Protein change: p.Leu497fs; shifts the reading frame from leucine 497.
Molecular consequence: frameshift variant.
Genome position (GRCh38, 1-based): chr14:67,802,227-67,802,230, GAGT deleted on the plus strand (ACTC on the coding strand, the reverse complement: ZFYVE26 is on the minus strand); deleting any 4 consecutive bases within chr14:67,802,227-67,802,231 gives the same sequence; the c. name uses the placement nearest the transcript's 3' end. VCF-style (leftmost placement, unchanged base first): chr14-67802226-AGAGT-A. GRCh37 (hg19) VCF-style: chr14-68268943-AGAGT-A.
Other names: short protein forms L497fs.
Identifiers: ClinVar variation 2739897 (VCV002739897.4), dbSNP rs759162929, ClinGen allele CA7240506.

ClinVar aggregate classification (germline): Pathogenic. Review status: criteria provided, multiple submitters, no conflicts (2 of 4 stars). 2 submissions from 2 submitters: Pathogenic (2). Last evaluated 2024-08-20.

Conditions:
Spastic paraplegia. Identifiers: MedGen C0037772, HP:0001258.
Hereditary spastic paraplegia 15 (SPG15). Also called: KJELLIN SYNDROME; SPASTIC PARAPLEGIA AND RETINAL DEGENERATION; SPASTIC PARAPLEGIA 15, AUTOSOMAL RECESSIVE. Identifiers: Orphanet 100996, MedGen C1849128, MONDO:0010044, OMIM 270700.

Submissions (2):

Myriad Genetics, Inc.
Classification: Pathogenic for Hereditary spastic paraplegia 15. Last evaluated: 2024-08-20. Review status: criteria provided, single submitter. Criteria: Myriad Autosomal Dominant, Autosomal Recessive and X-Linked Classification Criteria (2023). Collection method: clinical testing. Allele origin: unknown.
Comment: NM_015346.3(ZFYVE26):c.1488_1491delACTC(L497Tfs*7) is expected to be pathogenic in the context of spastic paraplegia type 15. This variant is predicted to lead to an abnormal or absent protein product due to the creation of a premature termination codon in ZFYVE26, a gene where loss-of-function variants are known to be pathogenic. Please note: this variant was assessed in the context of healthy population screening.

Labcorp Genetics (formerly Invitae), Labcorp
Classification: Pathogenic for Spastic paraplegia. Last evaluated: 2023-06-29. Review status: criteria provided, single submitter. Criteria: Invitae Variant Classification Sherloc (09022015). Collection method: clinical testing. Allele origin: germline.
Comment: This sequence change creates a premature translational stop signal (p.Leu497Thrfs*7) in the ZFYVE26 gene. It is expected to result in an absent or disrupted protein product. Loss-of-function variants in ZFYVE26 are known to be pathogenic (PMID: 18394578, 19805727). This variant is present in population databases (rs759162929, gnomAD 0.0009%). This variant has not been reported in the literature in individuals affected with ZFYVE26-related conditions. For these reasons, this variant has been classified as Pathogenic.

Literature cited by the submitters: PubMed 18394578 (cited by Labcorp Genetics (formerly Invitae), Labcorp); PubMed 19805727 (cited by Labcorp Genetics (formerly Invitae), Labcorp).